The following is an entry in ClinVar:

ClinVar aggregate classification (germline): Uncertain significance (1 of 4 stars; one submission).

Submission:

Women's Health and Genetics/Laboratory Corporation of America, LabCorp
Classification: Uncertain significance. Last evaluated: 2026-04-08. Review status: criteria provided, single submitter. Criteria: LabCorp Variant Classification Summary - May 2015. Collection method: clinical testing. Allele origin: germline.
Comment: Variant summary: IKBKG c.491C>T (p.Thr164Ile) results in a non-conservative amino acid change in the encoded protein sequence. Algorithms developed to predict the effect of missense changes on protein structure and function are either unavailable or do not agree on the potential impact of this missense change. The variant was absent in 12160 control chromosomes. The available data on variant occurrences in the general population are insufficient to allow any conclusion about variant significance. To our knowledge, no occurrence of c.491C>T in individuals affected with IKBKG-related conditions and no experimental evidence demonstrating its impact on protein function have been reported. No submitters have cited clinical-significance assessments for this variant to ClinVar. Based on the evidence outlined above, the variant was classified as uncertain significance.

NM_001099857.5(IKBKG):c.491C>T (p.Thr164Ile)

Gene: IKBKG (inhibitor of nuclear factor kappa B kinase regulatory subunit gamma; plus strand). Cytogenetic location: Xq28.
Variant type: single nucleotide variant.
Coding change: c.491C>T on transcript NM_001099857.5 (MANE Select); coding-DNA position 491, C replaced by T.
Protein change: p.Thr164Ile; replaces threonine 164 with isoleucine.
Molecular consequence: missense variant. On other transcripts: intron variant (1).
Genome position (GRCh38, 1-based): chrX:154,558,623, C>T. VCF-style: chrX-154558623-C-T. GRCh37 (hg19) VCF-style: chrX-153786838-C-T.
Other names: c.695C>T, p.Thr232Ile (NM_001099856.6); c.491C>T, p.Thr164Ile (NM_001145255.4, NM_001321396.3, NM_001377312.1 and 1 more transcripts); c.488C>T, p.Thr163Ile (NM_001321397.3, NM_001377313.1, NM_001377314.1); c.399+2247C>T (NM_001377315.1); short protein forms T163I, T164I, T232I.
Identifiers: ClinVar variation 4848744 (VCV004848744.1).
Genomic context (GRCh38, chrX:154,558,623, plus strand): 5'-CCCAGGTGACGTCCTTGCTCGGGGAGCTGCAGGAGAGCCAGAGTCGCTTGGAGGCTGCCA[C>T]TAAGGAATGCCAGGCTCTGGAGGGTCGGTGAGTCGGGGGAGCCGGCTCCGGAGACCCCTT-3'
Protein context (NP_001093327.1, residues 154-174): QESQSRLEAA[Thr164Ile]KECQALEGRA